The following is an entry in ClinVar:

ClinVar aggregate classification (germline): Uncertain significance (1 of 4 stars; one submission).

Conditions:
Diffuse cerebral and cerebellar atrophy - intractable seizures - progressive microcephaly syndrome. Also called: Microcephaly, progressive, with seizures and cerebral and cerebellar atrophy. Identifiers: Orphanet 404437, MedGen C4014239, MONDO:0014335, OMIM 615760.

Allele frequency attached by ClinVar (database versions not stated): gnomAD exomes 0.00001; ExAC 0.00002.
gnomAD v4.1: 8 of 1,614,228 alleles (0.0005%); highest among the groups gnomAD compares: Admixed American, 0.0033%; no homozygotes.

Submission:

Labcorp Genetics (formerly Invitae), Labcorp
Classification: Uncertain significance for Diffuse cerebral and cerebellar atrophy - intractable seizures - progressive microcephaly syndrome. Last evaluated: 2024-10-22. Review status: criteria provided, single submitter. Criteria: Invitae Variant Classification Sherloc (09022015). Collection method: clinical testing. Allele origin: germline.
Comment: This sequence change replaces alanine, which is neutral and non-polar, with valine, which is neutral and non-polar, at codon 344 of the QARS protein (p.Ala344Val). This variant is present in population databases (rs749995144, gnomAD 0.006%). This variant has not been reported in the literature in individuals affected with QARS-related conditions. ClinVar contains an entry for this variant (Variation ID: 1358973). An algorithm developed to predict the effect of missense changes on protein structure and function outputs the following: PolyPhen-2: "Benign". The valine amino acid residue is found in multiple mammalian species, which suggests that this missense change does not adversely affect protein function. In summary, the available evidence is currently insufficient to determine the role of this variant in disease. Therefore, it has been classified as a Variant of Uncertain Significance.

NM_005051.3(QARS1):c.1031C>T (p.Ala344Val)

Gene: QARS1 (glutaminyl-tRNA synthetase 1; minus strand). Cytogenetic location: 3p21.31.
Variant type: single nucleotide variant.
Coding change: c.1031C>T on transcript NM_005051.3 (MANE Select); coding-DNA position 1031, C replaced by T.
Protein change: p.Ala344Val; replaces alanine 344 with valine.
Molecular consequence: missense variant. On other transcripts: non-coding transcript variant (1).
Genome position (GRCh38, 1-based): chr3:49,100,404, G>A on the plus strand (C>T on the coding strand, the complement: QARS1 is on the minus strand). VCF-style: chr3-49100404-G-A. GRCh37 (hg19) VCF-style: chr3-49137837-G-A.
Other names: c.998C>T, p.Ala333Val (NM_001272073.2); short protein forms A333V, A344V.
Identifiers: ClinVar variation 1358973 (VCV001358973.6), dbSNP rs749995144, ClinGen allele CA2391912.